The following is an entry in ClinVar:

ClinVar aggregate classification (germline): Uncertain significance (1 of 4 stars; one submission).

Conditions:
Cardiovascular phenotype. Identifiers: MedGen CN230736.

Submission:

Ambry Genetics
Classification: Uncertain significance for Cardiovascular phenotype. Last evaluated: 2023-10-27. Review status: criteria provided, single submitter. Criteria: Ambry Variant Classification Scheme 2023. Collection method: clinical testing. Allele origin: germline.
Comment: The p.C991* variant (also known as c.2973T>A), located in coding exon 11 of the RBM20 gene, results from a T to A substitution at nucleotide position 2973. This changes the amino acid from a cysteine to a stop codon within coding exon 11. This alteration is expected to result in protein truncation or nonsense-mediated mRNA decay. However, loss of function of RBM20 has not been established as a mechanism of disease. Since supporting evidence is limited at this time, the clinical significance of this alteration remains unclear.

NM_001134363.3(RBM20):c.2973T>A (p.Cys991Ter)

Gene: RBM20 (RNA binding motif protein 20; plus strand). Cytogenetic location: 10q25.2.
Variant type: single nucleotide variant.
Coding change: c.2973T>A on transcript NM_001134363.3 (MANE Select); coding-DNA position 2973, T replaced by A.
Protein change: p.Cys991Ter; replaces cysteine 991 with a stop codon.
Molecular consequence: nonsense.
Genome position (GRCh38, 1-based): chr10:110,821,592, T>A. VCF-style: chr10-110821592-T-A. GRCh37 (hg19) VCF-style: chr10-112581350-T-A.
Other names: short protein forms C991*.
Identifiers: ClinVar variation 3233209 (VCV003233209.1), dbSNP rs778327777, ClinGen allele CA378378694.